The following is an entry in ClinVar:

NM_198565.3(NRROS):c.1621T>A (p.Leu541Ile)

Gene: NRROS (negative regulator of reactive oxygen species; plus strand). Cytogenetic location: 3q29.
Variant type: single nucleotide variant.
Coding change: c.1621T>A on transcript NM_198565.3 (MANE Select); coding-DNA position 1621, T replaced by A.
Protein change: p.Leu541Ile; replaces leucine 541 with isoleucine.
Molecular consequence: missense variant.
Genome position (GRCh38, 1-based): chr3:196,661,264, T>A. VCF-style: chr3-196661264-T-A. GRCh37 (hg19) VCF-style: chr3-196388135-T-A.
Other names: short protein forms L541I.
Identifiers: ClinVar variation 4759353 (VCV004759353.1).

ClinVar aggregate classification (germline): Likely benign (1 of 4 stars; one submission).

Conditions:
Seizures, early-onset, with neurodegeneration and brain calcifications. Identifiers: MedGen C5394359, MONDO:0030033, OMIM 618875.

gnomAD v4.1: 1 of 1,613,884 alleles (0.000062%); highest among the groups gnomAD compares: Admixed American, 0.0017%; no homozygotes.

Submission:

Centre for Medical Genetics,  Mumbai
Classification: Likely benign for Seizures, early-onset, with neurodegeneration and brain calcifications. Last evaluated: 2026-02-12. Review status: criteria provided, single submitter. Criteria: ACMG Guidelines, 2015. Collection method: provider interpretation. Allele origin: germline. Inheritance: Autosomal recessive inheritance. Affected: no. Observed: 1 homozygote.
Comment: The variant satisfies PM2 criteria; Extremely low frequency in gnomAD population databases. However, the variant satisfies BS2 criteria.

Literature cited by the submitters: PubMed 32197075.